The following is an entry in ClinVar:

NM_004974.4(KCNA2):c.1108G>A (p.Val370Ile)

Gene: KCNA2 (potassium voltage-gated channel subfamily A member 2; minus strand). Cytogenetic location: 1p13.3.
Variant type: single nucleotide variant.
Coding change: c.1108G>A on transcript NM_004974.4 (MANE Select); coding-DNA position 1108, G replaced by A.
Protein change: p.Val370Ile; replaces valine 370 with isoleucine.
Molecular consequence: missense variant. On other transcripts: intron variant (1).
Genome position (GRCh38, 1-based): chr1:110,603,675, C>T on the plus strand (G>A on the coding strand, the complement: KCNA2 is on the minus strand). VCF-style: chr1-110603675-C-T. GRCh37 (hg19) VCF-style: chr1-111146297-C-T.
Other names: c.894+214G>A (NM_001204269.2); short protein forms V370I.
Identifiers: ClinVar variation 934618 (VCV000934618.10), dbSNP rs756214647, ClinGen allele CA1000658.

ClinVar aggregate classification (germline): Uncertain significance (1 of 4 stars; one submission).

Conditions:
Developmental and epileptic encephalopathy, 32 (DEE32). Also called: Epileptic encephalopathy, early infantile, 32. Identifiers: Orphanet 442835, MedGen C4225350, MONDO:0014607, OMIM 616366.

Allele frequency attached by ClinVar (database versions not stated): TOPMed below 0.00001; gnomAD exomes 0.00001; ExAC 0.00002.
gnomAD v4.1: 21 of 1,614,068 alleles (0.0013%); highest among the groups gnomAD compares: Non-Finnish European, 0.0018%; no homozygotes.

Submission:

Labcorp Genetics (formerly Invitae), Labcorp
Classification: Uncertain significance for Developmental and epileptic encephalopathy, 32. Last evaluated: 2023-06-14. Review status: criteria provided, single submitter. Criteria: Invitae Variant Classification Sherloc (09022015). Collection method: clinical testing. Allele origin: germline.
Comment: This sequence change replaces valine, which is neutral and non-polar, with isoleucine, which is neutral and non-polar, at codon 370 of the KCNA2 protein (p.Val370Ile). This variant is present in population databases (rs756214647, gnomAD 0.003%). This variant has not been reported in the literature in individuals affected with KCNA2-related conditions. ClinVar contains an entry for this variant (Variation ID: 934618). Advanced modeling of protein sequence and biophysical properties (such as structural, functional, and spatial information, amino acid conservation, physicochemical variation, residue mobility, and thermodynamic stability) performed at Invitae indicates that this missense variant is not expected to disrupt KCNA2 protein function. In summary, the available evidence is currently insufficient to determine the role of this variant in disease. Therefore, it has been classified as a Variant of Uncertain Significance.